The following is an entry in ClinVar:

ClinVar aggregate classification (germline): Uncertain significance (1 of 4 stars; one submission).

Conditions:
Epilepsy, progressive myoclonic, 1B. Also called: PME. Identifiers: Orphanet 308, MedGen C2676254, MONDO:0012904, OMIM 612437.

Submission:

Labcorp Genetics (formerly Invitae), Labcorp
Classification: Uncertain significance for Epilepsy, progressive myoclonic, 1B. Last evaluated: 2020-02-12. Review status: criteria provided, single submitter. Criteria: Invitae Variant Classification Sherloc (09022015). Collection method: clinical testing. Allele origin: germline.
Comment: This sequence change creates a premature translational stop signal (p.Glu127Valfs*11) in the PRICKLE1 gene. It is expected to result in an absent or disrupted protein product. This variant is not present in population databases (ExAC no frequency). This variant has not been reported in the literature in individuals with PRICKLE1-related conditions. The current clinical and genetic evidence is not sufficient to establish whether loss-of-function variants in PRICKLE1 cause disease. In summary, the available evidence is currently insufficient to determine the role of this variant in disease. Therefore, it has been classified as a Variant of Uncertain Significance.

NM_153026.3(PRICKLE1):c.379_380insT (p.Glu127fs)

Gene: PRICKLE1 (prickle planar cell polarity protein 1; minus strand). Cytogenetic location: 12q12.
Variant type: Insertion.
Coding change: c.379_380insT on transcript NM_153026.3 (MANE Select); coding-DNA positions 379 to 380, T inserted.
Protein change: p.Glu127fs; shifts the reading frame from glutamic acid 127.
Molecular consequence: frameshift variant.
Genome position: GRCh38 VCF-style: chr12-42469454-T-TA. GRCh37 (hg19) VCF-style: chr12-42863256-T-TA.
Other names: c.379_380insT, p.Glu127fs (NM_001144881.2, NM_001144882.2, NM_001144883.2); short protein forms E127fs.
Identifiers: ClinVar variation 956098 (VCV000956098.7), dbSNP rs1938228955, ClinGen allele CA1139662604.
Genomic context (GRCh38, chr12:42,469,454, plus strand): 5'-GTCCACCCCATCCACATCACTGCCACAAGCTACGCATCAGAGAAGGGGCTGCTCACCTGC[T>TA]CACACACAGCATGCATGACTGCTCTGGACAGAAGCTTAATTGTTCCTCTTCCCAGTGCTT-3'